The following is an entry in ClinVar:

NM_001282531.3(ADNP):c.185C>T (p.Ser62Leu)

Gene: ADNP (activity dependent neuroprotector homeobox; minus strand). Cytogenetic location: 20q13.13.
Variant type: single nucleotide variant.
Coding change: c.185C>T on transcript NM_001282531.3 (MANE Select); coding-DNA position 185, C replaced by T.
Protein change: p.Ser62Leu; replaces serine 62 with leucine.
Molecular consequence: missense variant.
Genome position (GRCh38, 1-based): chr20:50,902,033, G>A on the plus strand (C>T on the coding strand, the complement: ADNP is on the minus strand). VCF-style: chr20-50902033-G-A. GRCh37 (hg19) VCF-style: chr20-49518570-G-A.
Other names: c.185C>T, p.Ser62Leu (NM_001282532.2, NM_001347511.2, NM_015339.5 and 1 more transcripts); short protein forms S62L.
Identifiers: ClinVar variation 2431379 (VCV002431379.2), dbSNP rs2515616031, ClinGen allele CA408981429.

ClinVar aggregate classification (germline): Uncertain significance (1 of 4 stars; one submission).

Conditions:
ADNP-related multiple congenital anomalies - intellectual disability - autism spectrum disorder. Also called: Helsmoortel-Van der Aa Syndrome; ADNP-Related Helsmoortel-Van der Aa Syndrome. Identifiers: Orphanet 404448, MedGen C4014538, MONDO:0014379, OMIM 615873. Disease mechanism: loss of function.

Submission:

Laboratorio de Genetica e Diagnostico Molecular, Hospital Israelita Albert Einstein
Classification: Uncertain significance for ADNP-related multiple congenital anomalies - intellectual disability - autism spectrum disorder. Last evaluated: 2022-06-14. Review status: criteria provided, single submitter. Criteria: ACMG Guidelines, 2015. Collection method: clinical testing. Allele origin: germline. Affected: yes.
Comment: ACMG classification criteria: PM2 moderated, BP4 supporting